The following is an entry in ClinVar:

ClinVar aggregate classification (germline): Benign/Likely benign. Review status: criteria provided, multiple submitters, no conflicts (2 of 4 stars). 2 submissions from 2 submitters: Benign (1); Likely benign (1). Last evaluated 2025-02-06.

Conditions:
POLD1-related polyposis and colorectal cancer syndrome (CRCS10). Also called: Colorectal cancer, susceptibility to, 10; Colorectal cancer 10; COLORECTAL CANCER, SUSCEPTIBILITY TO, ON CHROMOSOME 19q. Identifiers: Orphanet 220460, MedGen C2675481, MONDO:0012953, OMIM 612591.

Submissions (2):

Myriad Genetics, Inc.
Classification: Benign for POLD1-related polyposis and colorectal cancer syndrome. Last evaluated: 2025-02-06. Review status: criteria provided, single submitter. Criteria: Myriad Autosomal Dominant, Autosomal Recessive and X-Linked Classification Criteria (2023). Collection method: clinical testing. Allele origin: unknown.
Comment: This variant is considered benign. This variant is a silent/synonymous amino acid change and it is not expected to impact splicing.

Labcorp Genetics (formerly Invitae), Labcorp
Classification: Likely benign for POLD1-related polyposis and colorectal cancer syndrome. Last evaluated: 2022-12-26. Review status: criteria provided, single submitter. Criteria: Invitae Variant Classification Sherloc (09022015). Collection method: clinical testing. Allele origin: germline.

NM_002691.4(POLD1):c.1323G>T (p.Thr441=)

Gene: POLD1 (DNA polymerase delta 1, catalytic subunit; plus strand). Cytogenetic location: 19q13.33.
Variant type: single nucleotide variant.
Coding change: c.1323G>T on transcript NM_002691.4 (MANE Select); coding-DNA position 1323, G replaced by T.
Protein change: p.Thr441=; no amino-acid change (threonine 441 retained).
Molecular consequence: synonymous variant. On other transcripts: non-coding transcript variant (1).
Genome position (GRCh38, 1-based): chr19:50,406,262, G>T. VCF-style: chr19-50406262-G-T. GRCh37 (hg19) VCF-style: chr19-50909519-G-T.
Other names: c.1323G>T, p.Thr441= (NM_001256849.1, NM_001308632.1).
Identifiers: ClinVar variation 762768 (VCV000762768.11), dbSNP rs768901366, ClinGen allele CA508304699.